The following is an entry in ClinVar:

ClinVar aggregate classification (germline): Conflicting classifications of pathogenicity. Review status: criteria provided, conflicting classifications (1 of 4 stars). 2 submissions from 2 submitters: Uncertain significance (1); Likely benign (1). Last evaluated 2024-01-02.

Allele frequency attached by ClinVar (database versions not stated): gnomAD 0.00001; gnomAD exomes 0.00001; ExAC 0.00002.
gnomAD v4.1: 4 of 1,613,972 alleles (0.00025%); highest among the groups gnomAD compares: Admixed American, 0.0017%; no homozygotes.

Submissions (2):

Labcorp Genetics (formerly Invitae), Labcorp
Classification: Likely benign. Last evaluated: 2024-01-02. Review status: criteria provided, single submitter. Criteria: Invitae Variant Classification Sherloc (09022015). Collection method: clinical testing. Allele origin: germline.

GeneDx
Classification: Uncertain significance. Last evaluated: 2019-04-17. Review status: criteria provided, single submitter. Criteria: GeneDx Variant Classification Process June 2021. Collection method: clinical testing. Allele origin: germline. Affected: yes.
Comment: Not observed at a significant frequency in large population cohorts (Lek et al., 2016); Has not been previously published as pathogenic or benign to our knowledge

NM_130837.3(OPA1):c.89T>C (p.Leu30Pro)

Gene: OPA1 (OPA1 mitochondrial dynamin like GTPase; plus strand). Cytogenetic location: 3q29.
Variant type: single nucleotide variant.
Coding change: c.89T>C on transcript NM_130837.3 (MANE Select); coding-DNA position 89, T replaced by C.
Protein change: p.Leu30Pro; replaces leucine 30 with proline.
Molecular consequence: missense variant. On other transcripts: 5 prime UTR variant (2).
Genome position (GRCh38, 1-based): chr3:193,614,779, T>C. VCF-style: chr3-193614779-T-C. GRCh37 (hg19) VCF-style: chr3-193332568-T-C.
Other names: c.-284T>C (NM_001354663.2, NM_001354664.2); c.89T>C, p.Leu30Pro (NM_015560.3, NM_130831.3, NM_130832.3 and 4 more transcripts); short protein forms L30P.
Identifiers: ClinVar variation 1318883 (VCV001318883.6), dbSNP rs758056583, ClinGen allele CA2758934.